The following is an entry in ClinVar:

ClinVar aggregate classification (germline): Uncertain significance (1 of 4 stars; one submission).

Conditions:
Dilated cardiomyopathy 1G (CMD1G). Identifiers: Orphanet 154, MedGen C1858763, MONDO:0011400, OMIM 604145.
Autosomal recessive limb-girdle muscular dystrophy type 2J (LGMDR10). Also called: Limb-girdle muscular dystrophy, type 2J; MUSCULAR DYSTROPHY, LIMB-GIRDLE, AUTOSOMAL RECESSIVE 10. Identifiers: Orphanet 140922, MedGen C1837342, MONDO:0012127, OMIM 608807.

Submission:

Labcorp Genetics (formerly Invitae), Labcorp
Classification: Uncertain significance for Dilated cardiomyopathy 1G; Autosomal recessive limb-girdle muscular dystrophy type 2J. Last evaluated: 2021-03-11. Review status: criteria provided, single submitter. Criteria: Invitae Variant Classification Sherloc (09022015). Collection method: clinical testing. Allele origin: germline.
Comment: This sequence change falls in intron 85 of the TTN gene. It does not directly change the encoded amino acid sequence of the TTN protein. It affects a nucleotide within the consensus splice site of the intron. This variant is not present in population databases (ExAC no frequency). This variant has not been reported in the literature in individuals with TTN-related conditions. Nucleotide substitutions within the consensus splice site are a relatively common cause of aberrant splicing (PMID: 17576681, 9536098). Algorithms developed to predict the effect of sequence changes on RNA splicing suggest that this variant may create or strengthen a splice site, but this prediction has not been confirmed by published transcriptional studies. In summary, the available evidence is currently insufficient to determine the role of this variant in disease. Therefore, it has been classified as a Variant of Uncertain Significance. This variant is located in the I band of TTN (PMID: 25589632). Variants in this region may be clinically relevant, but have not been definitively shown to cause cardiomyopathy or neuromuscular disease (PMID: 27493940, 32778822).

Literature cited by the submitters: PubMed 17576681; PubMed 9536098; PubMed 25589632; PubMed 27493940; PubMed 32778822.

NM_001267550.2(TTN):c.24784+3G>A

Gene: TTN (titin; minus strand). Cytogenetic location: 2q31.2.
Variant type: single nucleotide variant.
Coding change: c.24784+3G>A on transcript NM_001267550.2 (MANE Select); 3 bases into the intron after coding-DNA position 24784, G replaced by A.
Molecular consequence: intron variant.
Genome position (GRCh38, 1-based): chr2:178,718,319, C>T on the plus strand (G>A on the coding strand, the complement: TTN is on the minus strand). VCF-style: chr2-178718319-C-T. GRCh37 (hg19) VCF-style: chr2-179583046-C-T.
Other names: c.13282+19763G>A (NM_003319.4); c.13858+19763G>A (NM_133437.4); c.13657+19763G>A (NM_133432.3); c.21052+3G>A (NM_133378.4); c.23833+3G>A (NM_001256850.1).
Identifiers: ClinVar variation 1486194 (VCV001486194.8), dbSNP rs2154299473, ClinGen allele CA2573133980.